The following continues an entry in ClinVar:

NM_000059.4(BRCA2):c.8297del (p.Thr2766fs)

Gene: BRCA2. ClinVar aggregate classification (germline): Pathogenic. Pathogenic (1).

Submissions 10 to 22 of 30:

All of Us Research Program, National Institutes of Health
Classification: Pathogenic for Breast-ovarian cancer, familial, susceptibility to, 2. Last evaluated: 2024-01-06. Review status: criteria provided, single submitter. Criteria: ACMG Guidelines, 2015. Collection method: clinical testing. Allele origin: germline. Inheritance: Autosomal dominant inheritance. Observed: 4 variant alleles, 4 heterozygotes. Not counted in ClinVar's aggregate classification.
Comment: This variant deletes 1 nucleotide in exon 18 of the BRCA2 gene, creating a frameshift and premature translation stop signal. This variant is expected to result in an absent or non-functional protein product. This variant has been reported in 9 individuals affected with breast or ovarian cancer (PMID: 10682686, 12960223, 23146383, 25682074, 26681312, 26845104, 33471991), 3 individuals affected with prostate cancer (PMID: 20736950, 23569316), and 1 unaffected individual (PMID: 33471991). This variant has been identified in 70 families among the CIMBA participants (PMID: 29446198). This variant has not been identified in the general population by the Genome Aggregation Database (gnomAD). Loss of BRCA2 function is a known mechanism of disease. Based on the available evidence, this variant is classified as Pathogenic.

This study involves interpretation of variants in research participants for the purpose of population health screening. Participant phenotype was not available at the time of variant classification. Additional details can be found in publication PMID: 35346344, PMCID: PMC8962531

Quest Diagnostics Nichols Institute San Juan Capistrano
Classification: Pathogenic. Last evaluated: 2023-09-12. Review status: criteria provided, single submitter. Criteria: Quest Diagnostics criteria. Collection method: clinical testing. Allele origin: unknown. Not counted in ClinVar's aggregate classification.
Comment: The BRCA2 c.8297del (p.Thr2766Asnfs*11) variant has been reported in the published literature in individuals and families affected with breast and/or ovarian cancer (PMIDs: 8589730 (1996), 10682686 (2000), 26681312 (2015)) and prostate cancer (PMIDs: 20736950 (2010), 23569316 (2013)). The frequency of this variant in the general population, 0.0000066 (1/152178 chromosomes (Genome Aggregation Database)), is consistent with pathogenicity. Based on the available information, this variant is classified as pathogenic.

Revvity Omics, Revvity
Classification: Pathogenic. Last evaluated: 2023-04-13. Review status: criteria provided, single submitter. Criteria: ACMG Guidelines, 2015. Collection method: clinical testing. Allele origin: germline. Not counted in ClinVar's aggregate classification.

ARUP Laboratories, Molecular Genetics and Genomics, ARUP Laboratories
Classification: Pathogenic. Last evaluated: 2023-03-22. Review status: criteria provided, single submitter. Criteria: ARUP Molecular Germline Variant Investigation Process 2024. Collection method: clinical testing. Allele origin: germline. Not counted in ClinVar's aggregate classification.
Comment: The BRCA2 c.8297del; p.Thr2766AsnfsTer11 variant (rs80359705), also known as 8525delC, is reported in individuals with hereditary breast and ovarian cancer syndrome (Edwards 2010, Lilyquist 2017, Tavtigian 1996). This variant is also reported in ClinVar (Variation ID: 38149). It is absent from the Genome Aggregation Database, indicating it is not a common polymorphism. This variant causes a frameshift by deleting a single nucleotide, so it is predicted to result in a truncated protein or mRNA subject to nonsense-mediated decay. Based on available information, this variant is considered to be pathogenic. References: Edwards SM et al. Prostate cancer in BRCA2 germline mutation carriers is associated with poorer prognosis. Br J Cancer. 2010 Sep 7;103(6):918-24. PMID: 20736950. Lilyquist J et al. Frequency of mutations in a large series of clinically ascertained ovarian cancer cases tested on multi-gene panels compared to reference controls. Gynecol Oncol. 2017 Nov;147(2):375-380. PMID: 28888541. Tavtigian SV et al. The complete BRCA2 gene and mutations in chromosome 13q-linked kindreds. Nat Genet. 1996 Mar;12(3):333-7. PMID: 8589730.

Fulgent Genetics
Classification: Pathogenic for Familial cancer of breast; Medulloblastoma; Familial prostate cancer; Wilms tumor 1; Fanconi anemia complementation group D1; Breast-ovarian cancer, familial, susceptibility to, 2; Glioma susceptibility 3; Pancreatic cancer, susceptibility to, 2. Last evaluated: 2022-03-15. Review status: criteria provided, single submitter. Criteria: ACMG Guidelines, 2015. Collection method: clinical testing. Allele origin: unknown. Not counted in ClinVar's aggregate classification.

GeneDx
Classification: Pathogenic. Last evaluated: 2022-01-27. Review status: criteria provided, single submitter. Criteria: GeneDx Variant Classification Process June 2021. Collection method: clinical testing. Allele origin: germline. Affected: yes. Not counted in ClinVar's aggregate classification.
Comment: Frameshift variant predicted to result in protein truncation or nonsense mediated decay in a gene for which loss-of-function is a known mechanism of disease; Observed in individuals with a personal and/or family history of BRCA2-related cancers (Tavtigian 1996, Evans 2003, Edwards 2010, Willems-Jones 2012, McVeigh 2014, Pritzlaff 2017); Truncating variants in this gene are considered pathogenic by a well-established clinical consortium and/or database; Not observed at significant frequency in large population cohorts (gnomAD); Also known as 8525delC; This variant is associated with the following publications: (PMID: 12474142, 20736950, 12960223, 30609409, 12181777, 26046366, 25682074, 26681312, 23035815, 23884708, 8589730, 23028338, 28008555, 25085752, 22703879, 26845104, 31090900, 26295337, 25685387, 23569316, 10682686, 31569370, 32853339, 30787465, 33087929)

Sema4
Classification: Pathogenic for Hereditary cancer-predisposing syndrome. Last evaluated: 2021-09-01. Review status: criteria provided, single submitter. Criteria: Sema4 Curation Guidelines. Collection method: curation. Allele origin: germline. Not counted in ClinVar's aggregate classification.
Comment: The BRCA2 c.8297delC (p.T2766NfsX11) variant has been reported in heterozygosity in numerous individuals with female and male breast cancer, as well as individuals with ovarian and prostate cancer (PMID: 29446198, 8589730, 12474142, 23035815, 31090900, etc.). It is also reported as 8525delC in the literature. This variant is a well-established pathogenic variant associated with hereditary breast and ovarian cancer syndrome (PMID: 29446198). This variant causes a frameshift at amino acid 2766 that results in premature termination 11 amino acids downstream. This variant is predicted to cause loss of normal protein function either through protein truncation or nonsense-mediated mRNA decay. Loss of function variants in BRCA2 are known to be pathogenic (PMID: 29446198). This variant is not reported in the population database Genome Aggregation Database (PMID: 32461654). This variant has been reported in ClinVar (Variation ID: 38149). Based on the current evidence available, this variant is interpreted as pathogenic.

Department of Pathology and Laboratory Medicine, Sinai Health System
Classification: Pathogenic for Familial cancer of breast; Breast-ovarian cancer, familial, susceptibility to, 2. Last evaluated: 2020-02-10. Review status: criteria provided, single submitter. Criteria: ACMG Guidelines, 2015. Collection method: clinical testing. Allele origin: germline. Affected: yes. Not counted in ClinVar's aggregate classification.

Institute for Biomarker Research, Medical Diagnostic Laboratories, L.L.C.
Classification: Pathogenic for Hereditary cancer-predisposing syndrome. Last evaluated: 2018-05-23. Review status: criteria provided, single submitter. Criteria: ACMG Guidelines, 2015. Collection method: clinical testing. Allele origin: germline. Not counted in ClinVar's aggregate classification.

HudsonAlpha Institute for Biotechnology
Classification: Pathogenic for Breast-ovarian cancer, familial, susceptibility to, 2. Last evaluated: 2018-04-16. Review status: criteria provided, single submitter. Criteria: ACMG Guidelines, 2015. Collection method: research. Allele origin: unknown. Observed: 1 variant allele. Study: CSER-HudsonAlpha. Not counted in ClinVar's aggregate classification.

Laboratory for Molecular Medicine, Mass General Brigham Personalized Medicine
Classification: Pathogenic for Hereditary breast ovarian cancer syndrome. Last evaluated: 2018-02-22. Review status: criteria provided, single submitter. Criteria: LMM Criteria. Collection method: clinical testing. Allele origin: germline. Inheritance: Autosomal dominant inheritance. Observed: 2 variant alleles. Not counted in ClinVar's aggregate classification.
Comment: The p.Thr2766AsnfsX11 (NM_000059.3 c.8297delC) variant in BRCA2 (also referred t o as c.8285delC in the literature) has been previously reported in many individu als and families with breast, ovarian or prostate cancer (Tavtigian 1996, Castro 2013, McVeigh 2014, Wong-Brown 2015), and was absent from large population stud ies. In addition, this variant was classified as Pathogenic by the ClinGen-appr oved ENIGMA expert panel (ClinVar SCV000282457.1). This variant is predicted to cause a frameshift, which alters the protein?s amino acid sequence beginning at position 2766 and leads to a premature termination codon 11 amino acids downstre am. This alteration is then predicted to lead to a truncated or absent protein. Heterozygous loss of BRCA2 function is an established disease mechanism in here ditary breast and ovarian cancer syndrome (HBOC). In summary, this variant meets our criteria to be classified as pathogenic for HBOC in an autosomal dominant m anner based on its occurrence in affected individuals and its predicted impact t o the protein. ACMG/AMP Criteria applied: PVS1, PM2, PS4_Moderate, PP5 (Richards 2015).

Cancer Genetics and Genomics Laboratory, British Columbia Cancer Agency
Classification: Pathogenic for Hereditary breast ovarian cancer syndrome. Last evaluated: 2017-04-18. Review status: criteria provided, single submitter. Criteria: ACMG Guidelines, 2015. Collection method: clinical testing. Allele origin: germline. Study: The Canadian Open Genetics Repository (COGR). Not counted in ClinVar's aggregate classification.

Women's Health and Genetics/Laboratory Corporation of America, LabCorp
Classification: Pathogenic for Hereditary breast ovarian cancer syndrome. Last evaluated: 2016-07-01. Review status: criteria provided, single submitter. Criteria: LabCorp Variant Classification Summary - May 2015. Collection method: clinical testing. Allele origin: germline. Not counted in ClinVar's aggregate classification.
Comment: Variant summary: The BRCA2 c.8297delC (p.Thr2766Asnfs) variant results in a premature termination codon, predicted to cause a truncated or absent BRCA2 protein due to nonsense mediated decay, which are commonly known mechanisms for disease. The variant of interest was not found in controls (ExAC, 1000 Gs or ESP). Multiple publications cite the variant in affected individuals, along with multiple reputable databases/clinical laboratories citing the variant as "pathogenic." Therefore, taking all available lines of evidence into consideration, the variant of interest is classified as Pathogenic.